The following is an entry in ClinVar:

NM_000070.3(CAPN3):c.1517T>C (p.Ile506Thr)

Gene: CAPN3 (calpain 3; plus strand). Cytogenetic location: 15q15.1.
Variant type: single nucleotide variant.
Coding change: c.1517T>C on transcript NM_000070.3 (MANE Select); coding-DNA position 1517, T replaced by C.
Protein change: p.Ile506Thr; replaces isoleucine 506 with threonine.
Molecular consequence: missense variant.
Genome position (GRCh38, 1-based): chr15:42,401,803, T>C. VCF-style: chr15-42401803-T-C. GRCh37 (hg19) VCF-style: chr15-42694001-T-C.
Other names: c.1517T>C, p.Ile506Thr (NM_024344.2); c.1373T>C, p.Ile458Thr (NM_173087.2); short protein forms I506T, I458T.
Identifiers: ClinVar variation 502152 (VCV000502152.10), dbSNP rs1555422136, ClinGen allele CA391999998.
Genomic context (GRCh38, chr15:42,401,803, plus strand): 5'-AGAAGAACCGGCGGAAGGACCGGAAGCTAGGGGCCAGTCTCTTCACCATTGGCTTCGCCA[T>C]CTACGAGGTGTGCAGTCCTGATTGGCTCCAGCCCAGGAAACATACTTTCCCAGGGAGGAC-3'
Protein context (NP_000061.1, residues 496-516): GASLFTIGFA[Ile506Thr]YEVPKEMHGN

ClinVar aggregate classification (germline): Conflicting classifications of pathogenicity. Review status: criteria provided, conflicting classifications (1 of 4 stars). 5 submissions from 5 submitters: Likely pathogenic (2); Uncertain significance (2). 1 of the submissions does not count toward it. Last evaluated 2024-06-10.

Conditions:
Muscular dystrophy, limb-girdle, autosomal dominant 4. Also called: MUSCULAR DYSTROPHY, LIMB-GIRDLE, TYPE 1I; Calpain-3-related limb-girdle muscular dystrophy D4. Identifiers: Orphanet 565909, MedGen C4748295, MONDO:0029133, OMIM 618129.
Autosomal recessive limb-girdle muscular dystrophy type 2A (LGMDR1). Also called: LEYDEN-MOEBIUS MUSCULAR DYSTROPHY; MUSCULAR DYSTROPHY, PELVOFEMORAL; Limb-girdle muscular dystrophy, type 2A; Calpainopathy; Muscular dystrophy, limb-girdle, type 2A, Amish. Identifiers: Orphanet 267, MedGen C1869123, MONDO:0009675, OMIM 253600. Disease mechanism: loss of function.

Submissions (5):

Women's Health and Genetics/Laboratory Corporation of America, LabCorp
Classification: Uncertain significance. Last evaluated: 2024-06-10. Review status: criteria provided, single submitter. Criteria: LabCorp Variant Classification Summary - May 2015. Collection method: clinical testing. Allele origin: germline.
Comment: Variant summary: CAPN3 c.1517T>C (p.Ile506Thr) results in a non-conservative amino acid change located in the Peptidase C2, calpain, large subunit, domain III (IPR022682) of the encoded protein sequence. Five of five in-silico tools predict a damaging effect of the variant on protein function. The frequency data for this variant in gnomAD is considered unreliable, as metrics indicate poor data quality at this position. c.1517T>C has been reported in the literature in a compound heterozygous individuals affected with Limb-Girdle Muscular Dystrophy, Autosomal Recessive (Dai_2015). These data do not allow any conclusion about variant significance. To our knowledge, no experimental evidence demonstrating an impact on protein function has been reported. The following publication have been ascertained in the context of this evaluation (PMID: 25987458). ClinVar contains an entry for this variant (Variation ID: 502152). Based on the evidence outlined above, the variant was classified as uncertain significance.

Baylor Genetics
Classification: Likely pathogenic for Muscular dystrophy, limb-girdle, autosomal dominant 4. Last evaluated: 2023-10-25. Review status: criteria provided, single submitter. Criteria: ACMG Guidelines, 2015. Collection method: clinical testing. Allele origin: unknown.

Labcorp Genetics (formerly Invitae), Labcorp
Classification: Uncertain significance for Autosomal recessive limb-girdle muscular dystrophy type 2A. Last evaluated: 2023-04-24. Review status: criteria provided, single submitter. Criteria: Invitae Variant Classification Sherloc (09022015). Collection method: clinical testing. Allele origin: germline.
Comment: In summary, the available evidence is currently insufficient to determine the role of this variant in disease. Therefore, it has been classified as a Variant of Uncertain Significance. Advanced modeling of protein sequence and biophysical properties (such as structural, functional, and spatial information, amino acid conservation, physicochemical variation, residue mobility, and thermodynamic stability) performed at Invitae indicates that this missense variant is expected to disrupt CAPN3 protein function. ClinVar contains an entry for this variant (Variation ID: 502152). This missense change has been observed in individual(s) with clinical features of autosomal recessive CAPN3-related conditions (PMID: 25987458). This variant is not present in population databases (gnomAD no frequency). This sequence change replaces isoleucine, which is neutral and non-polar, with threonine, which is neutral and polar, at codon 506 of the CAPN3 protein (p.Ile506Thr).

Eurofins Ntd Llc (ga)
Classification: Likely pathogenic. Last evaluated: 2017-05-24. Review status: criteria provided, single submitter. Criteria: EGL Classification Definitions 2015. Collection method: clinical testing. Allele origin: germline. Observed: 1 variant allele, 1 heterozygote.

Counsyl
Classification: Uncertain significance for Autosomal recessive limb-girdle muscular dystrophy type 2A. Last evaluated: 2018-05-29. Review status: no assertion criteria provided. Collection method: clinical testing. Allele origin: unknown. Not counted in ClinVar's aggregate classification.

Literature cited by the submitters: PubMed 25987458 (cited by 3 submitters).